The following is an entry in ClinVar:

ClinVar aggregate classification (germline): Uncertain significance (1 of 4 stars; one submission).

Submission:

CeGaT Center for Human Genetics Tuebingen
Classification: Uncertain significance. Last evaluated: 2026-05-01. Review status: criteria provided, single submitter. Criteria: CeGaT Center For Human Genetics Tuebingen Variant Classification Criteria Version 2. Collection method: clinical testing. Allele origin: germline. Affected: yes. Observed: 1 variant allele.
Comment: KCTD17: PM2, PP2

NM_001282684.2(KCTD17):c.40G>A (p.Ala14Thr)

Genes: KCTD17 (potassium channel tetramerization domain containing 17; plus strand), LOC130067340 (ATAC-STARR-seq lymphoblastoid silent region 13677; plus strand). Cytogenetic location: 22q12.3.
Variant type: single nucleotide variant.
Coding change: c.40G>A on transcript NM_001282684.2 (MANE Select); coding-DNA position 40, G replaced by A.
Protein change: p.Ala14Thr; replaces alanine 14 with threonine.
Molecular consequence: missense variant.
Genome position (GRCh38, 1-based): chr22:37,051,800, G>A. VCF-style: chr22-37051800-G-A. GRCh37 (hg19) VCF-style: chr22-37447840-G-A.
Other names: c.40G>A, p.Ala14Thr (NM_001282685.2, NM_001282686.2, NM_024681.4); short protein forms A14T.
Identifiers: ClinVar variation 4874905 (VCV004874905.2).